The following is an entry in ClinVar:

NM_000391.4(TPP1):c.1653C>G (p.Pro551=)

Gene: TPP1 (tripeptidyl peptidase 1; minus strand). Cytogenetic location: 11p15.4.
Variant type: single nucleotide variant.
Coding change: c.1653C>G on transcript NM_000391.4 (MANE Select); coding-DNA position 1653, C replaced by G.
Protein change: p.Pro551=; no amino-acid change (proline 551 retained).
Molecular consequence: synonymous variant.
Genome position (GRCh38, 1-based): chr11:6,614,585, G>C on the plus strand (C>G on the coding strand, the complement: TPP1 is on the minus strand). VCF-style: chr11-6614585-G-C. GRCh37 (hg19) VCF-style: chr11-6635816-G-C.
Identifiers: ClinVar variation 305506 (VCV000305506.24), dbSNP rs372564255, ClinGen allele CA5858594.

ClinVar aggregate classification (germline): Conflicting classifications of pathogenicity. Review status: criteria provided, conflicting classifications (1 of 4 stars). 7 submissions from 7 submitters: Uncertain significance (2); Likely benign (3). 2 of the submissions do not count toward it. Last evaluated 2026-01-20.

Conditions:
Neuronal ceroid lipofuscinosis 2. Also called: TPP1-Related Neuronal Ceroid-Lipofuscinosis; JANSKY-BIELSCHOWSKY DISEASE NEURONAL CEROID LIPOFUSCINOSIS, LATE INFANTILE. Identifiers: Orphanet 168491, Orphanet 228349, Orphanet 79264, MedGen C1876161, MONDO:0008769, OMIM 204500.
TPP1-related disorder. Also called: TPP1-related condition.

Allele frequency attached by ClinVar (database versions not stated): gnomAD 0.00011 and 0.00013; TOPMed 0.00012; ESP Exome Variant Server 0.00015.
gnomAD v4.1: 349 of 1,614,128 alleles (0.022%); highest among the groups gnomAD compares: Non-Finnish European, 0.028%; no homozygotes.

Submissions (7):

Labcorp Genetics (formerly Invitae), Labcorp
Classification: Likely benign. Last evaluated: 2026-01-20. Review status: criteria provided, single submitter. Criteria: Invitae Variant Classification Sherloc (09022015). Collection method: clinical testing. Allele origin: germline.

Blueprint Genetics
Classification: Likely benign. Last evaluated: 2024-11-25. Review status: criteria provided, single submitter. Criteria: ACMG Guidelines, 2015. Collection method: clinical testing. Allele origin: germline.

GeneDx
Classification: Likely benign. Last evaluated: 2018-01-18. Review status: criteria provided, single submitter. Criteria: GeneDx Variant Classification (06012015). Collection method: clinical testing. Allele origin: germline. Affected: yes.
Comment: This variant is considered likely benign or benign based on one or more of the following criteria: it is a conservative change, it occurs at a poorly conserved position in the protein, it is predicted to be benign by multiple in silico algorithms, and/or has population frequency not consistent with disease.

Illumina Laboratory Services, Illumina
Classification: Uncertain significance for Neuronal ceroid lipofuscinosis 2. Last evaluated: 2018-01-12. Review status: criteria provided, single submitter. Criteria: ICSL Variant Classification Criteria 13 December 2019. Collection method: clinical testing. Allele origin: germline.

Eurofins Ntd Llc (ga)
Classification: Uncertain significance. Last evaluated: 2016-09-30. Review status: criteria provided, single submitter. Criteria: EGL Classification Definitions 2015. Collection method: clinical testing. Allele origin: germline. Observed: 1 variant allele, 1 heterozygote.

Natera, Inc.
Classification: Uncertain significance for Neuronal ceroid lipofuscinosis 2. Last evaluated: 2020-04-14. Review status: no assertion criteria provided. Collection method: clinical testing. Allele origin: germline. Not counted in ClinVar's aggregate classification.

PreventionGenetics, part of Exact Sciences
Classification: Likely benign for TPP1-related condition. Last evaluated: 2019-11-14. Review status: no assertion criteria provided. Collection method: clinical testing. Allele origin: germline. Not counted in ClinVar's aggregate classification.
Comment: This variant is classified as likely benign based on ACMG/AMP sequence variant interpretation guidelines (Richards et al. 2015 PMID: 25741868, with internal and published modifications).